The following is an entry in ClinVar:

NM_000324.3(RHAG):c.1067+3G>A

Gene: RHAG (Rh associated glycoprotein; minus strand). Cytogenetic location: 6p12.3.
Variant type: single nucleotide variant.
Coding change: c.1067+3G>A on transcript NM_000324.3 (MANE Select); 3 bases into the intron after coding-DNA position 1067, G replaced by A.
Molecular consequence: intron variant.
Genome position (GRCh38, 1-based): chr6:49,611,021, C>T on the plus strand (G>A on the coding strand, the complement: RHAG is on the minus strand). VCF-style: chr6-49611021-C-T. GRCh37 (hg19) VCF-style: chr6-49578734-C-T.
Other names: p.?.
Identifiers: ClinVar variation 1354370 (VCV001354370.7), dbSNP rs200874223, ClinGen allele CA3847752.

ClinVar aggregate classification (germline): Conflicting classifications of pathogenicity. Review status: criteria provided, conflicting classifications (1 of 4 stars). 2 submissions from 2 submitters: Uncertain significance (1); Likely benign (1). Last evaluated 2025-11-12.

Allele frequency attached by ClinVar (database versions not stated): gnomAD exomes 0.00001 and 0.00002; ExAC 0.00002; gnomAD 0.00007 and 0.00009; TOPMed 0.00017; 1000 Genomes Project 0.00040; 1000 Genomes Project 30x 0.00047.
gnomAD v4.1: 29 of 1,613,814 alleles (0.0018%); highest among the groups gnomAD compares: Admixed American, 0.027%; 1 homozygote.

Submissions (2):

Mayo Clinic Laboratories, Mayo Clinic
Classification: Likely benign. Last evaluated: 2025-11-12. Review status: criteria provided, single submitter. Criteria: ACMG Guidelines, 2015. Collection method: clinical testing. Allele origin: germline. Observed: 1 variant allele.
Comment: BP4, BP7, PM2_supporting

Labcorp Genetics (formerly Invitae), Labcorp
Classification: Uncertain significance. Last evaluated: 2024-03-22. Review status: criteria provided, single submitter. Criteria: Invitae Variant Classification Sherloc (09022015). Collection method: clinical testing. Allele origin: germline.
Comment: This sequence change falls in intron 7 of the RHAG gene. It does not directly change the encoded amino acid sequence of the RHAG protein. It affects a nucleotide within the consensus splice site. This variant is present in population databases (rs200874223, gnomAD 0.009%). This variant has not been reported in the literature in individuals affected with RHAG-related conditions. ClinVar contains an entry for this variant (Variation ID: 1354370). Variants that disrupt the consensus splice site are a relatively common cause of aberrant splicing (PMID: 17576681, 9536098). Algorithms developed to predict the effect of sequence changes on RNA splicing suggest that this variant is not likely to affect RNA splicing. In summary, the available evidence is currently insufficient to determine the role of this variant in disease. Therefore, it has been classified as a Variant of Uncertain Significance.

Literature cited by the submitters: PubMed 17576681 (cited by Labcorp Genetics (formerly Invitae), Labcorp); PubMed 9536098 (cited by Labcorp Genetics (formerly Invitae), Labcorp).